The following is an entry in ClinVar:

NM_005654.6(NR2F1):c.974T>C (p.Ile325Thr)

Gene: NR2F1 (nuclear receptor subfamily 2 group F member 1; plus strand). Cytogenetic location: 5q15.
Variant type: single nucleotide variant.
Coding change: c.974T>C on transcript NM_005654.6 (MANE Select); coding-DNA position 974, T replaced by C.
Protein change: p.Ile325Thr; replaces isoleucine 325 with threonine.
Molecular consequence: missense variant.
Genome position (GRCh38, 1-based): chr5:93,588,427, T>C. VCF-style: chr5-93588427-T-C. GRCh37 (hg19) VCF-style: chr5-92924133-T-C.
Other names: p.Ile325Thr; c.524T>C, p.Ile175Thr (NM_001410754.1); short protein forms I175T, I325T.
Identifiers: ClinVar variation 3379593 (VCV003379593.1).

ClinVar aggregate classification (germline): Uncertain significance (1 of 4 stars; one submission).

gnomAD v4.1: 1 of 1,606,494 alleles (0.000062%); highest among the groups gnomAD compares: Non-Finnish European, 0.000085%; no homozygotes.

Submission:

Mayo Clinic Laboratories, Mayo Clinic
Classification: Uncertain significance. Last evaluated: 2023-07-10. Review status: criteria provided, single submitter. Criteria: ACMG Guidelines, 2015. Collection method: clinical testing. Allele origin: germline. Observed: 1 variant allele.
Comment: PM2_moderate